The following is an entry in ClinVar:

NM_004655.4(AXIN2):c.1865G>A (p.Trp622Ter)

Gene: AXIN2 (axin 2; minus strand). Cytogenetic location: 17q24.1.
Variant type: single nucleotide variant.
Coding change: c.1865G>A on transcript NM_004655.4 (MANE Select); coding-DNA position 1865, G replaced by A.
Protein change: p.Trp622Ter; replaces tryptophan 622 with a stop codon.
Molecular consequence: nonsense. On other transcripts: intron variant (1).
Genome position (GRCh38, 1-based): chr17:65,536,911, C>T on the plus strand (G>A on the coding strand, the complement: AXIN2 is on the minus strand). VCF-style: chr17-65536911-C-T. GRCh37 (hg19) VCF-style: chr17-63533029-C-T.
Other names: c.1713-358G>A (NM_001363813.1); short protein forms W622*.
Identifiers: ClinVar variation 3981204 (VCV003981204.2).
Genomic context (GRCh38, chr17:65,536,911, plus strand): 5'-GCGGCAAGCGGTGTTTACCTATGGGGCTTGGGCTTGCTCTGCCGCTCACTCTCCAGCATC[C>T]ACTGCCAGACATCCTGCGACCTGTCTCCTTCCTCCCGGGGAAGCTGCAGGGCCCCAGCTC-3'

ClinVar aggregate classification (germline): Conflicting classifications of pathogenicity. Review status: criteria provided, conflicting classifications (1 of 4 stars). 2 submissions from 2 submitters: Pathogenic (1); Uncertain significance (1). Last evaluated 2025-06-10.

Conditions:
Oligodontia-cancer predisposition syndrome. Also called: TOOTH AGENESIS-COLORECTAL CANCER SYNDROME. Identifiers: Orphanet 300576, MedGen C1837750, MONDO:0012075, OMIM 608615. Disease mechanism: loss of function.
Hereditary cancer-predisposing syndrome. Also called: Tumor predisposition; Hereditary neoplastic syndrome; Neoplastic Syndromes, Hereditary; Hereditary Cancer Syndrome. Identifiers: Orphanet 140162, MedGen C0027672, MeSH D009386, MONDO:0015356.

gnomAD v4.1: 2 of 1,613,694 alleles (0.00012%); highest among the groups gnomAD compares: Non-Finnish European, 0.000085%; no homozygotes.

Submissions (2):

Labcorp Genetics (formerly Invitae), Labcorp
Classification: Uncertain significance for Oligodontia-cancer predisposition syndrome. Last evaluated: 2025-06-10. Review status: criteria provided, single submitter. Criteria: Invitae Variant Classification Sherloc (09022015). Collection method: clinical testing. Allele origin: germline.
Comment: This sequence change creates a premature translational stop signal (p.Trp622*) in the AXIN2 gene. Loss-of-function variants in AXIN2 are known to be pathogenic (PMID: 21416598, 15042511). However, tissue-specific alternative splicing of AXIN2 gene results in functional isoform lacking in-frame exon 7 (also known as exon 6, PMID: 15735151). For this reason the clinical significance of loss of function variants in exon 7 is currently uncertain. This variant is not present in population databases (gnomAD no frequency). This variant has not been reported in the literature in individuals affected with AXIN2-related conditions. Algorithms developed to predict the effect of sequence changes on RNA splicing suggest that this variant may disrupt the consensus splice site. In summary, the available evidence is currently insufficient to determine the role of this variant in disease. Therefore, it has been classified as a Variant of Uncertain Significance.

Ambry Genetics
Classification: Pathogenic for Hereditary cancer-predisposing syndrome. Last evaluated: 2025-05-29. Review status: criteria provided, single submitter. Criteria: Ambry Variant Classification Scheme 2023. Collection method: clinical testing. Allele origin: germline.
Comment: The p.W622* pathogenic mutation (also known as c.1865G>A), located in coding exon 6 of the AXIN2 gene, results from a G to A substitution at nucleotide position 1865. This changes the amino acid from a tryptophan to a stop codon within coding exon 6. This variant is considered to be rare based on population cohorts in the Genome Aggregation Database (gnomAD). This alteration is expected to result in loss of function by premature protein truncation or nonsense-mediated mRNA decay. As such, this alteration is interpreted as a disease-causing mutation.

Literature cited by the submitters: PubMed 21416598 (cited by Labcorp Genetics (formerly Invitae), Labcorp); PubMed 15042511 (cited by Labcorp Genetics (formerly Invitae), Labcorp).